The following is an entry in ClinVar:

NM_000071.3(CBS):c.846C>T (p.Pro282=)

Gene: CBS (cystathionine beta-synthase; minus strand). Cytogenetic location: 21q22.3.
Variant type: single nucleotide variant.
Coding change: c.846C>T on transcript NM_000071.3 (MANE Select); coding-DNA position 846, C replaced by T.
Protein change: p.Pro282=; no amino-acid change (proline 282 retained).
Molecular consequence: synonymous variant.
Genome position (GRCh38, 1-based): chr21:43,063,061, G>A on the plus strand (C>T on the coding strand, the complement: CBS is on the minus strand). VCF-style: chr21-43063061-G-A. GRCh37 (hg19) VCF-style: chr21-44483171-G-A.
Other names: p.Pro282=; c.846C>T, p.Pro282= (NM_001178008.3, NM_001178009.3, NM_001320298.2); c.531C>T, p.Pro177= (NM_001321072.1).
Identifiers: ClinVar variation 1763492 (VCV001763492.9), dbSNP rs753102706, ClinGen allele CA321091534.

ClinVar aggregate classification (germline): Conflicting classifications of pathogenicity. Review status: criteria provided, conflicting classifications (1 of 4 stars). 4 submissions from 4 submitters: Uncertain significance (3); Likely benign (1). Last evaluated 2025-05-15.

Conditions:
HYPERHOMOCYSTEINEMIA, THROMBOTIC, CBS-RELATED. Identifiers: MedGen C3150344, OMIM 236200.
Familial thoracic aortic aneurysm and aortic dissection (TAAD). Also called: Thoracic aortic aneurysms and dissections. Identifiers: Orphanet 91387, MedGen C4707243, MONDO:0019625.

Allele frequency attached by ClinVar (database versions not stated): ExAC 0.00003.

Submissions (4):

Labcorp Genetics (formerly Invitae), Labcorp
Classification: Likely benign for HYPERHOMOCYSTEINEMIA, THROMBOTIC, CBS-RELATED. Last evaluated: 2025-05-15. Review status: criteria provided, single submitter. Criteria: Invitae Variant Classification Sherloc (09022015). Collection method: clinical testing. Allele origin: germline.

Mayo Clinic Laboratories, Mayo Clinic
Classification: Uncertain significance. Last evaluated: 2025-01-17. Review status: criteria provided, single submitter. Criteria: ACMG Guidelines, 2015. Collection method: clinical testing. Allele origin: germline. Observed: 1 variant allele.

GeneDx
Classification: Uncertain significance. Last evaluated: 2024-07-24. Review status: criteria provided, single submitter. Criteria: GeneDx Variant Classification Process June 2021. Collection method: clinical testing. Allele origin: germline. Affected: yes.
Comment: In silico analysis supports a deleterious effect on splicing; Has not been previously published as pathogenic or benign to our knowledge

Ambry Genetics
Classification: Uncertain significance for Familial thoracic aortic aneurysm and aortic dissection. Last evaluated: 2022-06-10. Review status: criteria provided, single submitter. Criteria: Ambry Variant Classification Scheme 2023. Collection method: clinical testing. Allele origin: germline.
Comment: The c.846C>T variant (also known as p.P282P), located in coding exon 8 of the CBS gene, results from a C to T substitution at nucleotide position 846. This nucleotide substitution does not change the proline at codon 282. This nucleotide position is poorly conserved in available vertebrate species. In silico splice site analysis predicts that this alteration will result in the creation or strengthening of a novel splice acceptor site. Since supporting evidence is limited at this time, the clinical significance of this alteration remains unclear.